The following is an entry in ClinVar:

NM_022787.4(NMNAT1):c.832A>G (p.Lys278Glu)

Gene: NMNAT1 (nicotinamide nucleotide adenylyltransferase 1; plus strand). Cytogenetic location: 1p36.22.
Variant type: single nucleotide variant.
Coding change: c.832A>G on transcript NM_022787.4 (MANE Select); coding-DNA position 832, A replaced by G.
Protein change: p.Lys278Glu; replaces lysine 278 with glutamic acid.
Molecular consequence: missense variant.
Genome position (GRCh38, 1-based): chr1:9,982,693, A>G. VCF-style: chr1-9982693-A-G. GRCh37 (hg19) VCF-style: chr1-10042751-A-G.
Other names: c.832A>G, p.Lys278Glu (NM_001297778.1); short protein forms K278E.
Identifiers: ClinVar variation 2856859 (VCV002856859.3), dbSNP rs2522305357, ClinGen allele CA338687459.
Genomic context (GRCh38, chr1:9,982,693, plus strand): 5'-AGTGAAGACAGGAATGCTGGGGTCATCCTGGCCCCTTTGCAGAGAAACACTGCAGAAGCT[A>G]AGACATAGGAATTCTACAGCATGATATTTCAGACTTCCCATTTGGGGATCTGAAACAATC-3'
Protein context (NP_073624.2, residues 268-279): APLQRNTAEA[Lys278Glu]T

ClinVar aggregate classification (germline): Uncertain significance (1 of 4 stars; one submission).

Conditions:
Leber congenital amaurosis 9 (LCA9). Also called: LCA9 Leber Congenital Amaurosis; LCA 9; Amaurosis congenita of Leber, type 9. Identifiers: Orphanet 65, MedGen C1837873, MONDO:0012056, OMIM 608553.

Allele frequency attached by ClinVar (database versions not stated): gnomAD exomes below 0.00001.
gnomAD v4.1: 1 of 1,601,894 alleles (0.000062%); highest among the groups gnomAD compares: Non-Finnish European, 0.000085%; no homozygotes.

Submission:

Labcorp Genetics (formerly Invitae), Labcorp
Classification: Uncertain significance for Leber congenital amaurosis 9. Last evaluated: 2023-04-16. Review status: criteria provided, single submitter. Criteria: Invitae Variant Classification Sherloc (09022015). Collection method: clinical testing. Allele origin: germline.
Comment: In summary, the available evidence is currently insufficient to determine the role of this variant in disease. Therefore, it has been classified as a Variant of Uncertain Significance. An algorithm developed to predict the effect of missense changes on protein structure and function (PolyPhen-2) suggests that this variant is likely to be tolerated. This variant has not been reported in the literature in individuals affected with NMNAT1-related conditions. This variant is not present in population databases (gnomAD no frequency). This sequence change replaces lysine, which is basic and polar, with glutamic acid, which is acidic and polar, at codon 278 of the NMNAT1 protein (p.Lys278Glu).